The following is an entry in ClinVar:

NM_194277.3(FRMD7):c.1932G>C (p.Arg644Ser)

Gene: FRMD7 (FERM domain containing 7; minus strand). Cytogenetic location: Xq26.2.
Variant type: single nucleotide variant.
Coding change: c.1932G>C on transcript NM_194277.3 (MANE Select); coding-DNA position 1932, G replaced by C.
Protein change: p.Arg644Ser; replaces arginine 644 with serine.
Molecular consequence: missense variant.
Genome position (GRCh38, 1-based): chrX:132,078,085, C>G on the plus strand (G>C on the coding strand, the complement: FRMD7 is on the minus strand). VCF-style: chrX-132078085-C-G. GRCh37 (hg19) VCF-style: chrX-131212113-C-G.
Other names: c.1887G>C, p.Arg629Ser (NM_001306193.2); short protein forms R629S, R644S.
Identifiers: ClinVar variation 1941047 (VCV001941047.5), dbSNP rs753528994, ClinGen allele CA10518802.

ClinVar aggregate classification (germline): Uncertain significance (1 of 4 stars; one submission).

Allele frequency attached by ClinVar (database versions not stated): ExAC 0.00001; gnomAD exomes 0.00001; TOPMed 0.00002; gnomAD 0.00004.
gnomAD v4.1: 10 of 1,209,799 alleles (0.00083%); highest among the groups gnomAD compares: Admixed American, 0.0022%; no homozygotes.

Submission:

Labcorp Genetics (formerly Invitae), Labcorp
Classification: Uncertain significance. Last evaluated: 2022-02-04. Review status: criteria provided, single submitter. Criteria: Invitae Variant Classification Sherloc (09022015). Collection method: clinical testing. Allele origin: germline.
Comment: This sequence change replaces arginine, which is basic and polar, with serine, which is neutral and polar, at codon 644 of the FRMD7 protein (p.Arg644Ser). This variant is present in population databases (rs753528994, gnomAD 0.002%), including at least one homozygous and/or hemizygous individual. This variant has not been reported in the literature in individuals affected with FRMD7-related conditions. Algorithms developed to predict the effect of missense changes on protein structure and function (SIFT, PolyPhen-2, Align-GVGD) all suggest that this variant is likely to be tolerated. In summary, the available evidence is currently insufficient to determine the role of this variant in disease. Therefore, it has been classified as a Variant of Uncertain Significance.